The following is an entry in ClinVar:

ClinVar aggregate classification (germline): Uncertain significance (1 of 4 stars; one submission).

Conditions:
Pyridoxine-dependent epilepsy (EPEO4). Also called: Pyridoxine-Dependent Epilepsy - ALDH7A1; PYRIDOXINE DEPENDENCY WITH SEIZURES; EPILEPSY, EARLY-ONSET, 4, VITAMIN B6-DEPENDENT; Pyridoxine-Dependent Seizures. Identifiers: Orphanet 3006, MedGen C1849508, MONDO:0009945, OMIM 266100. Disease mechanism: loss of function.

Submission:

Labcorp Genetics (formerly Invitae), Labcorp
Classification: Uncertain significance for Pyridoxine-dependent epilepsy. Last evaluated: 2020-12-02. Review status: criteria provided, single submitter. Criteria: Invitae Variant Classification Sherloc (09022015). Collection method: clinical testing. Allele origin: germline.
Comment: In summary, the available evidence is currently insufficient to determine the role of this variant in disease. Therefore, it has been classified as a Variant of Uncertain Significance. This sequence change replaces serine with cysteine at codon 224 of the ALDH7A1 protein (p.Ser224Cys). The serine residue is moderately conserved and there is a moderate physicochemical difference between serine and cysteine. This variant is not present in population databases (ExAC no frequency). This variant has not been reported in the literature in individuals with ALDH7A1-related conditions. Advanced modeling of protein sequence and biophysical properties (such as structural, functional, and spatial information, amino acid conservation, physicochemical variation, residue mobility, and thermodynamic stability) performed at Invitae indicates that this missense variant is expected to disrupt ALDH7A1 protein function.

NM_001182.5(ALDH7A1):c.671C>G (p.Ser224Cys)

Gene: ALDH7A1 (aldehyde dehydrogenase 7 family member A1; minus strand). Cytogenetic location: 5q23.2.
Variant type: single nucleotide variant.
Coding change: c.671C>G on transcript NM_001182.5 (MANE Select); coding-DNA position 671, C replaced by G.
Protein change: p.Ser224Cys; replaces serine 224 with cysteine.
Molecular consequence: missense variant.
Genome position (GRCh38, 1-based): chr5:126,575,444, G>C on the plus strand (C>G on the coding strand, the complement: ALDH7A1 is on the minus strand). VCF-style: chr5-126575444-G-C. GRCh37 (hg19) VCF-style: chr5-125911136-G-C.
Other names: c.587C>G, p.Ser196Cys (NM_001201377.2); c.671C>G, p.Ser224Cys (NM_001202404.2); short protein forms S196C, S224C.
Identifiers: ClinVar variation 1413557 (VCV001413557.8), dbSNP rs1389146330, ClinGen allele CA360730403.